The following is an entry in ClinVar:

NM_002303.6(LEPR):c.2279T>C (p.Leu760Pro)

Gene: LEPR (leptin receptor; plus strand). Cytogenetic location: 1p31.3.
Variant type: single nucleotide variant.
Coding change: c.2279T>C on transcript NM_002303.6 (MANE Select); coding-DNA position 2279, T replaced by C.
Protein change: p.Leu760Pro; replaces leucine 760 with proline.
Molecular consequence: missense variant.
Genome position (GRCh38, 1-based): chr1:65,618,030, T>C. VCF-style: chr1-65618030-T-C. GRCh37 (hg19) VCF-style: chr1-66083713-T-C.
Other names: c.2279T>C, p.Leu760Pro (NM_001003679.3, NM_001003680.3, NM_001198687.2 and 2 more transcripts); short protein forms L760P.
Identifiers: ClinVar variation 3895804 (VCV003895804.2).

ClinVar aggregate classification (germline): Uncertain significance. Review status: criteria provided, multiple submitters, no conflicts (2 of 4 stars). 2 submissions from 2 submitters: Uncertain significance (2). Last evaluated 2026-05-11.

Conditions:
LEPR-related disorder. Also called: LEPR-related condition; LEPR-related disorders.

Submissions (2):

PreventionGenetics, part of Exact Sciences
Classification: Uncertain significance for LEPR-related condition. Last evaluated: 2026-05-11. Review status: criteria provided, single submitter. Criteria: ACMG Guidelines, 2015. Collection method: clinical testing. Allele origin: germline.
Comment: The LEPR c.2279T>C variant is predicted to result in the amino acid substitution p.Leu760Pro. To our knowledge, this variant has not been reported in the literature in individuals with LEPR-related conditions, or in a large population database (gnomAD), indicating this variant is rare. In vitro functional studies of this variant showed function similar to wild-type levels (Supplemental Data Set, Shah et al. 2023. PubMed ID: 36864747). An alternate variant at the same amino acid position (p.Leu760Arg) was reported as a possible modifier variant in a family with Bardet-Biedl syndrome (Gnanasekaran et al. 2023. PubMed ID: 37431782). At this time, the clinical significance of the p.Leu760Pro variant is uncertain due to the absence of conclusive functional and genetic evidence.

Women's Health and Genetics/Laboratory Corporation of America, LabCorp
Classification: Uncertain significance. Last evaluated: 2025-03-06. Review status: criteria provided, single submitter. Criteria: LabCorp Variant Classification Summary - May 2015. Collection method: clinical testing. Allele origin: germline.
Comment: Variant summary: LEPR c.2279T>C (p.Leu760Pro) results in a non-conservative amino acid change located in the 4th fibronectin type-III domain (IPR003961) of the encoded protein sequence. Three of five in-silico tools predict a benign effect of the variant on protein function. The variant was absent in 251116 control chromosomes. The available data on variant occurrences in the general population are insufficient to allow any conclusion about variant significance. To our knowledge, no occurrence of c.2279T>C in individuals affected with &phenotype& and no experimental evidence demonstrating its impact on protein function have been reported. No submitters have cited clinical-significance assessments for this variant to ClinVar. Based on the evidence outlined above, the variant was classified as uncertain significance.